The following is an entry in ClinVar:

ClinVar aggregate classification (germline): Uncertain significance. Review status: criteria provided, multiple submitters, no conflicts (2 of 4 stars). 2 submissions from 2 submitters: Uncertain significance (2). Last evaluated 2025-10-03.

Conditions:
Hereditary cancer-predisposing syndrome. Also called: Tumor predisposition; Hereditary Cancer Syndrome; Hereditary neoplastic syndrome; Neoplastic Syndromes, Hereditary. Identifiers: Orphanet 140162, MedGen C0027672, MeSH D009386, MONDO:0015356.
POLD1-related polyposis and colorectal cancer syndrome (CRCS10). Also called: Colorectal cancer 10; COLORECTAL CANCER, SUSCEPTIBILITY TO, ON CHROMOSOME 19q; Colorectal cancer, susceptibility to, 10. Identifiers: Orphanet 220460, MedGen C2675481, MONDO:0012953, OMIM 612591.

gnomAD v4.1: 2 of 1,519,720 alleles (0.00013%); highest among the groups gnomAD compares: Non-Finnish European, 0.00018%; no homozygotes.

Submissions (2):

Ambry Genetics
Classification: Uncertain significance for Hereditary cancer-predisposing syndrome. Last evaluated: 2025-10-03. Review status: criteria provided, single submitter. Criteria: Ambry Variant Classification Scheme 2023. Collection method: clinical testing. Allele origin: germline.
Comment: The p.S939P variant (also known as c.2815T>C), located in coding exon 21 of the POLD1 gene, results from a T to C substitution at nucleotide position 2815. The serine at codon 939 is replaced by proline, an amino acid with similar properties. This amino acid position is conserved. In addition, the in silico prediction for this alteration is inconclusive. Since supporting evidence is limited at this time, the clinical significance of this alteration remains unclear.

Labcorp Genetics (formerly Invitae), Labcorp
Classification: Uncertain significance for POLD1-related polyposis and colorectal cancer syndrome. Last evaluated: 2025-05-26. Review status: criteria provided, single submitter. Criteria: Invitae Variant Classification Sherloc (09022015). Collection method: clinical testing. Allele origin: germline.
Comment: This sequence change replaces serine, which is neutral and polar, with proline, which is neutral and non-polar, at codon 939 of the POLD1 protein (p.Ser939Pro). This variant is not present in population databases (gnomAD no frequency). This variant has not been reported in the literature in individuals affected with POLD1-related conditions. ClinVar contains an entry for this variant (Variation ID: 1007605). Invitae Evidence Modeling of protein sequence and biophysical properties (such as structural, functional, and spatial information, amino acid conservation, physicochemical variation, residue mobility, and thermodynamic stability) indicates that this missense variant is expected to disrupt POLD1 protein function with a positive predictive value of 80%. In summary, the available evidence is currently insufficient to determine the role of this variant in disease. Therefore, it has been classified as a Variant of Uncertain Significance.

NM_002691.4(POLD1):c.2815T>C (p.Ser939Pro)

Gene: POLD1 (DNA polymerase delta 1, catalytic subunit; plus strand). Cytogenetic location: 19q13.33.
Variant type: single nucleotide variant.
Coding change: c.2815T>C on transcript NM_002691.4 (MANE Select); coding-DNA position 2815, T replaced by C.
Protein change: p.Ser939Pro; replaces serine 939 with proline.
Molecular consequence: missense variant.
Genome position (GRCh38, 1-based): chr19:50,415,821, T>C. VCF-style: chr19-50415821-T-C. GRCh37 (hg19) VCF-style: chr19-50919078-T-C.
Other names: c.2815T>C, p.Ser939Pro (NM_001256849.1); c.2893T>C, p.Ser965Pro (NM_001308632.1); short protein forms S939P, S965P.
Identifiers: ClinVar variation 1007605 (VCV001007605.12), dbSNP rs2039266476, ClinGen allele CA406986117.